The following is an entry in ClinVar:

ClinVar aggregate classification (germline): Uncertain significance (1 of 4 stars; one submission).

Conditions:
Hereditary nonpolyposis colorectal neoplasms. Identifiers: MedGen C0009405, MeSH D003123.

Submission:

Labcorp Genetics (formerly Invitae), Labcorp
Classification: Uncertain significance for Hereditary nonpolyposis colorectal neoplasms. Last evaluated: 2023-10-19. Review status: criteria provided, single submitter. Criteria: Invitae Variant Classification Sherloc (09022015). Collection method: clinical testing. Allele origin: germline.
Comment: This sequence change replaces valine, which is neutral and non-polar, with alanine, which is neutral and non-polar, at codon 296 of the MSH6 protein (p.Val296Ala). This variant is not present in population databases (gnomAD no frequency). This variant has not been reported in the literature in individuals affected with MSH6-related conditions. ClinVar contains an entry for this variant (Variation ID: 1502668). Advanced modeling of protein sequence and biophysical properties (such as structural, functional, and spatial information, amino acid conservation, physicochemical variation, residue mobility, and thermodynamic stability) performed at Invitae indicates that this missense variant is not expected to disrupt MSH6 protein function. In summary, the available evidence is currently insufficient to determine the role of this variant in disease. Therefore, it has been classified as a Variant of Uncertain Significance.

NM_000179.3(MSH6):c.887T>C (p.Val296Ala)

Gene: MSH6 (mutS homolog 6; plus strand). Cytogenetic location: 2p16.3.
Variant type: single nucleotide variant.
Coding change: c.887T>C on transcript NM_000179.3 (MANE Select); coding-DNA position 887, T replaced by C.
Protein change: p.Val296Ala; replaces valine 296 with alanine.
Molecular consequence: missense variant. On other transcripts: 5 prime UTR variant (2).
Genome position (GRCh38, 1-based): chr2:47,798,870, T>C. VCF-style: chr2-47798870-T-C. GRCh37 (hg19) VCF-style: chr2-48026009-T-C.
Other names: c.497T>C, p.Val166Ala (NM_001281492.2); c.-20T>C (NM_001281493.2, NM_001281494.2); short protein forms V166A, V296A.
Identifiers: ClinVar variation 1502668 (VCV001502668.8), dbSNP rs1572720726, ClinGen allele CA346740680.